The following is an entry in ClinVar:

NM_000213.5(ITGB4):c.4964_4968dup (p.Leu1657fs)

Genes: GALK1 (galactokinase 1; minus strand), ITGB4 (integrin subunit beta 4; plus strand). Cytogenetic location: 17q25.1.
Variant type: Duplication.
Coding change: c.4964_4968dup on transcript NM_000213.5 (MANE Select); coding-DNA positions 4964 to 4968, 5 bases duplicated (ACTCG; older notation c.4964_4968dupACTCG).
Protein change: p.Leu1657fs; shifts the reading frame from leucine 1657.
Molecular consequence: frameshift variant. On other transcripts: intron variant (1).
Genome position (GRCh38, 1-based): chr17:75,756,770-75,756,774, ACTCG duplicated; duplicating any 5 consecutive bases within chr17:75,756,769-75,756,774 gives the same sequence; the c. name uses the placement nearest the transcript's 3' end. VCF-style (leftmost placement, unchanged base first): chr17-75756768-A-AGACTC. GRCh37 (hg19) VCF-style: chr17-73752849-A-AGACTC.
Other names: c.4913_4917dup, p.Leu1640fs (NM_001005619.2); c.4754_4758dup, p.Leu1587fs (NM_001005731.3, NM_001321123.2); c.4604_4608dup, p.Leu1537fs (NM_001438834.1); c.*22+1261_*22+1265dup (NM_001381985.1); short protein forms L1657fs, L1640fs, L1587fs, L1537fs.
Identifiers: ClinVar variation 2770258 (VCV002770258.3), dbSNP rs2545887085, ClinGen allele CA2697555166.

ClinVar aggregate classification (germline): Pathogenic (1 of 4 stars; one submission).

Submission:

Labcorp Genetics (formerly Invitae), Labcorp
Classification: Pathogenic. Last evaluated: 2023-10-20. Review status: criteria provided, single submitter. Criteria: Invitae Variant Classification Sherloc (09022015). Collection method: clinical testing. Allele origin: germline.
Comment: This sequence change creates a premature translational stop signal (p.Leu1587Thrfs*5) in the ITGB4 gene. It is expected to result in an absent or disrupted protein product. Loss-of-function variants in ITGB4 are known to be pathogenic (PMID: 11328943, 16473856). This variant is not present in population databases (gnomAD no frequency). This variant has not been reported in the literature in individuals affected with ITGB4-related conditions. For these reasons, this variant has been classified as Pathogenic.

Literature cited by the submitters: PubMed 11328943; PubMed 16473856.